The following is an entry in ClinVar:

ClinVar aggregate classification (germline): Uncertain significance. Review status: criteria provided, multiple submitters, no conflicts (2 of 4 stars). 3 submissions from 2 submitters: Uncertain significance (3). Last evaluated 2025-02-24.

Conditions:
Cerebral cavernous malformation (CCM). Also called: CAVERNOUS ANGIOMA, FAMILIAL; CAVERNOUS ANGIOMATOUS MALFORMATIONS; CEREBRAL CAPILLARY MALFORMATIONS; Cerebral cavernous malformations; Cavernous Hemangioma of Brain; Cerebral cavernous hemangioma (type). Identifiers: Orphanet 221061, MedGen C2919945, MONDO:0000820, OMIM 116860, HP:0033522.
Angiokeratoma corporis diffusum with arteriovenous fistulas. Identifiers: MedGen C1838141, MONDO:0010885, OMIM 600419.

Allele frequency attached by ClinVar (database versions not stated): gnomAD exomes below 0.00001.
gnomAD v4.1: 4 of 1,576,646 alleles (0.00025%); highest among the groups gnomAD compares: Non-Finnish European, 0.00035%; no homozygotes.

Submissions (3):

Labcorp Genetics (formerly Invitae), Labcorp
Classification: Uncertain significance for Cerebral cavernous malformation. Last evaluated: 2025-02-24. Review status: criteria provided, single submitter. Criteria: Invitae Variant Classification Sherloc (09022015). Collection method: clinical testing. Allele origin: germline.
Comment: This sequence change replaces tyrosine, which is neutral and polar, with cysteine, which is neutral and slightly polar, at codon 252 of the KRIT1 protein (p.Tyr252Cys). This variant is not present in population databases (gnomAD no frequency). This variant has not been reported in the literature in individuals affected with KRIT1-related conditions. ClinVar contains an entry for this variant (Variation ID: 911390). Invitae Evidence Modeling of protein sequence and biophysical properties (such as structural, functional, and spatial information, amino acid conservation, physicochemical variation, residue mobility, and thermodynamic stability) indicates that this missense variant is not expected to disrupt KRIT1 protein function with a negative predictive value of 80%. In summary, the available evidence is currently insufficient to determine the role of this variant in disease. Therefore, it has been classified as a Variant of Uncertain Significance.

Illumina Laboratory Services, Illumina
Classification: Uncertain significance for Cerebral cavernous malformation. Last evaluated: 2017-04-27. Review status: criteria provided, single submitter. Criteria: ICSL Variant Classification Criteria 13 December 2019. Collection method: clinical testing. Allele origin: germline.

Illumina Laboratory Services, Illumina
Classification: Uncertain significance for Angiokeratoma corporis diffusum with arteriovenous fistulas. Last evaluated: 2017-04-27. Review status: criteria provided, single submitter. Criteria: ICSL Variant Classification Criteria 13 December 2019. Collection method: clinical testing. Allele origin: germline.

NM_194454.3(KRIT1):c.755A>G (p.Tyr252Cys)

Gene: KRIT1 (KRIT1 ankyrin repeat containing; minus strand). Cytogenetic location: 7q21.2.
Variant type: single nucleotide variant.
Coding change: c.755A>G on transcript NM_194454.3 (MANE Select); coding-DNA position 755, A replaced by G.
Protein change: p.Tyr252Cys; replaces tyrosine 252 with cysteine.
Molecular consequence: missense variant.
Genome position (GRCh38, 1-based): chr7:92,234,898, T>C on the plus strand (A>G on the coding strand, the complement: KRIT1 is on the minus strand). VCF-style: chr7-92234898-T-C. GRCh37 (hg19) VCF-style: chr7-91864212-T-C.
Other names: c.755A>G, p.Tyr252Cys (NM_001013406.2, NM_001350669.1, NM_001350670.1 and 29 more transcripts); c.41A>G, p.Tyr14Cys (NM_001350671.1); short protein forms Y252C, Y14C.
Identifiers: ClinVar variation 911390 (VCV000911390.5), dbSNP rs1798075445, ClinGen allele CA368158890.